The following is an entry in ClinVar:

ClinVar aggregate classification (germline): Uncertain significance (1 of 4 stars; one submission).

Submission:

GeneDx
Classification: Uncertain significance. Last evaluated: 2021-01-08. Review status: criteria provided, single submitter. Criteria: GeneDx Variant Classification Process June 2021. Collection method: clinical testing. Allele origin: germline. Affected: yes.
Comment: Not observed in large population cohorts (Lek et al., 2016); In silico analysis supports that this missense variant has a deleterious effect on protein structure/function; Has not been previously published as pathogenic or benign to our knowledge

NM_031407.7(HUWE1):c.12929G>A (p.Gly4310Asp)

Gene: HUWE1 (HECT, UBA and WWE domain containing E3 ubiquitin protein ligase 1; minus strand). Cytogenetic location: Xp11.22.
Variant type: single nucleotide variant.
Coding change: c.12929G>A on transcript NM_031407.7 (MANE Select); coding-DNA position 12929, G replaced by A.
Protein change: p.Gly4310Asp; replaces glycine 4310 with aspartic acid.
Molecular consequence: missense variant.
Genome position (GRCh38, 1-based): chrX:53,534,100, C>T on the plus strand (G>A on the coding strand, the complement: HUWE1 is on the minus strand). VCF-style: chrX-53534100-C-T. GRCh37 (hg19) VCF-style: chrX-53561061-C-T.
Other names: short protein forms G4310D.
Identifiers: ClinVar variation 1303770 (VCV001303770.2), dbSNP rs2146746826, ClinGen allele CA413144301.